The following is an entry in ClinVar:

NM_002691.4(POLD1):c.893A>G (p.His298Arg)

Gene: POLD1 (DNA polymerase delta 1, catalytic subunit; plus strand). Cytogenetic location: 19q13.33.
Variant type: single nucleotide variant.
Coding change: c.893A>G on transcript NM_002691.4 (MANE Select); coding-DNA position 893, A replaced by G.
Protein change: p.His298Arg; replaces histidine 298 with arginine.
Molecular consequence: missense variant. On other transcripts: non-coding transcript variant (1).
Genome position (GRCh38, 1-based): chr19:50,402,664, A>G. VCF-style: chr19-50402664-A-G. GRCh37 (hg19) VCF-style: chr19-50905921-A-G.
Other names: c.893A>G, p.His298Arg (NM_001256849.1, NM_001308632.1); short protein forms H298R.
Identifiers: ClinVar variation 665093 (VCV000665093.12), dbSNP rs1601202545, ClinGen allele CA406976942.

ClinVar aggregate classification (germline): Conflicting classifications of pathogenicity. Review status: criteria provided, conflicting classifications (1 of 4 stars). 2 submissions from 2 submitters: Uncertain significance (1); Likely benign (1). Last evaluated 2025-02-27.

Conditions:
Hereditary cancer-predisposing syndrome. Also called: Hereditary neoplastic syndrome; Tumor predisposition; Hereditary Cancer Syndrome; Neoplastic Syndromes, Hereditary. Identifiers: Orphanet 140162, MedGen C0027672, MeSH D009386, MONDO:0015356.
POLD1-related polyposis and colorectal cancer syndrome (CRCS10). Also called: Colorectal cancer, susceptibility to, 10; Colorectal cancer 10; COLORECTAL CANCER, SUSCEPTIBILITY TO, ON CHROMOSOME 19q. Identifiers: Orphanet 220460, MedGen C2675481, MONDO:0012953, OMIM 612591.

Submissions (2):

Labcorp Genetics (formerly Invitae), Labcorp
Classification: Uncertain significance for POLD1-related polyposis and colorectal cancer syndrome. Last evaluated: 2025-02-27. Review status: criteria provided, single submitter. Criteria: Invitae Variant Classification Sherloc (09022015). Collection method: clinical testing. Allele origin: germline.
Comment: This sequence change replaces histidine, which is basic and polar, with arginine, which is basic and polar, at codon 298 of the POLD1 protein (p.His298Arg). This variant is not present in population databases (gnomAD no frequency). This variant has not been reported in the literature in individuals affected with POLD1-related conditions. ClinVar contains an entry for this variant (Variation ID: 665093). Invitae Evidence Modeling of protein sequence and biophysical properties (such as structural, functional, and spatial information, amino acid conservation, physicochemical variation, residue mobility, and thermodynamic stability) indicates that this missense variant is not expected to disrupt POLD1 protein function with a negative predictive value of 80%. In summary, the available evidence is currently insufficient to determine the role of this variant in disease. Therefore, it has been classified as a Variant of Uncertain Significance.

Ambry Genetics
Classification: Likely benign for Hereditary cancer-predisposing syndrome. Last evaluated: 2025-02-10. Review status: criteria provided, single submitter. Criteria: Ambry Variant Classification Scheme 2023. Collection method: clinical testing. Allele origin: germline.